The following is an entry in ClinVar:

NM_001440.4(EXTL3):c.1762A>G (p.Arg588Gly)

Gene: EXTL3 (exostosin like glycosyltransferase 3; plus strand). Cytogenetic location: 8p21.1.
Variant type: single nucleotide variant.
Coding change: c.1762A>G on transcript NM_001440.4 (MANE Select); coding-DNA position 1762, A replaced by G.
Protein change: p.Arg588Gly; replaces arginine 588 with glycine.
Molecular consequence: missense variant.
Genome position (GRCh38, 1-based): chr8:28,717,821, A>G. VCF-style: chr8-28717821-A-G. GRCh37 (hg19) VCF-style: chr8-28575338-A-G.
Other names: short protein forms R588G.
Identifiers: ClinVar variation 2103375 (VCV002103375.4), dbSNP rs1801197882, ClinGen allele CA370860748.
Genomic context (GRCh38, chr8:28,717,821, plus strand): 5'-GCTGACAACGGGGACCTGGACCTGGGGCCAGTGGAGACGGAGCCGCCCTACGCCTCACCC[A>G]GATACCTCCGCAATTTCACTCTGACTGTCACTGACTTTTACCGCAGCTGGAACTGTGCTC-3'
Protein context (NP_001431.1, residues 578-598): VETEPPYASP[Arg588Gly]YLRNFTLTVT

ClinVar aggregate classification (germline): Uncertain significance (1 of 4 stars; one submission).

Allele frequency attached by ClinVar (database versions not stated): TOPMed below 0.00001.

Submission:

Labcorp Genetics (formerly Invitae), Labcorp
Classification: Uncertain significance. Last evaluated: 2022-02-25. Review status: criteria provided, single submitter. Criteria: Invitae Variant Classification Sherloc (09022015). Collection method: clinical testing. Allele origin: germline.
Comment: In summary, the available evidence is currently insufficient to determine the role of this variant in disease. Therefore, it has been classified as a Variant of Uncertain Significance. Algorithms developed to predict the effect of missense changes on protein structure and function (SIFT, PolyPhen-2, Align-GVGD) all suggest that this variant is likely to be tolerated. This variant has not been reported in the literature in individuals affected with EXTL3-related conditions. This variant is not present in population databases (gnomAD no frequency). This sequence change replaces arginine, which is basic and polar, with glycine, which is neutral and non-polar, at codon 588 of the EXTL3 protein (p.Arg588Gly).